The following is an entry in ClinVar:

ClinVar aggregate classification (germline): Likely benign. Review status: criteria provided, multiple submitters, no conflicts (2 of 4 stars). 2 submissions from 2 submitters: Likely benign (2). Last evaluated 2026-04-01.

gnomAD v4.1: 1,138 of 1,614,094 alleles (0.071%); highest among the groups gnomAD compares: Non-Finnish European, 0.07%; 7 homozygotes.

Submissions (2):

CeGaT Center for Human Genetics Tuebingen
Classification: Likely benign. Last evaluated: 2026-04-01. Review status: criteria provided, single submitter. Criteria: CeGaT Center For Human Genetics Tuebingen Variant Classification Criteria Version 2. Collection method: clinical testing. Allele origin: germline. Affected: yes. Observed: 1 variant allele.
Comment: TMEM94: BP4, BS1

Blueprint Genetics
Classification: Likely benign. Last evaluated: 2024-11-27. Review status: criteria provided, single submitter. Criteria: ACMG Guidelines, 2015. Collection method: clinical testing. Allele origin: germline.

NM_014738.6(TMEM94):c.344G>T (p.Arg115Leu)

Gene: TMEM94 (transmembrane protein 94; plus strand). Cytogenetic location: 17q25.1.
Variant type: single nucleotide variant.
Coding change: c.344G>T on transcript NM_014738.6 (MANE Select); coding-DNA position 344, G replaced by T.
Protein change: p.Arg115Leu; replaces arginine 115 with leucine.
Molecular consequence: missense variant.
Genome position (GRCh38, 1-based): chr17:75,486,361, G>T. VCF-style: chr17-75486361-G-T. GRCh37 (hg19) VCF-style: chr17-73482442-G-T.
Other names: c.374G>T, p.Arg125Leu (NM_001321148.2, NM_001351203.2, NM_001438843.1 and 1 more transcripts); c.344G>T, p.Arg115Leu (NM_001321149.2, NM_001351202.2, NM_001438841.1 and 5 more transcripts); short protein forms R115L, R125L.
Identifiers: ClinVar variation 4871978 (VCV004871978.3).